The following is an entry in ClinVar:

NM_000069.3(CACNA1S):c.1461C>T (p.Gly487=)

Gene: CACNA1S (calcium voltage-gated channel subunit alpha1 S; minus strand). Cytogenetic location: 1q32.1.
Variant type: single nucleotide variant.
Coding change: c.1461C>T on transcript NM_000069.3 (MANE Select); coding-DNA position 1461, C replaced by T.
Protein change: p.Gly487=; no amino-acid change (glycine 487 retained).
Molecular consequence: synonymous variant.
Genome position (GRCh38, 1-based): chr1:201,078,037, G>A on the plus strand (C>T on the coding strand, the complement: CACNA1S is on the minus strand). VCF-style: chr1-201078037-G-A. GRCh37 (hg19) VCF-style: chr1-201047165-G-A.
Identifiers: ClinVar variation 3073174 (VCV003073174.1), dbSNP rs748760411, ClinGen allele CA422815238.

ClinVar aggregate classification (germline): Uncertain significance (1 of 4 stars; one submission).

Conditions:
Malignant hyperthermia, susceptibility to, 5 (MHS5). Also called: CACNA1S-Related Malignant Hyperthermia Susceptibility. Identifiers: Orphanet 423, MedGen C1866077, MONDO:0011163, OMIM 601887.

Submission:

All of Us Research Program, National Institutes of Health
Classification: Uncertain significance for Malignant hyperthermia, susceptibility to, 5. Last evaluated: 2023-08-28. Review status: criteria provided, single submitter. Criteria: ACMG Guidelines, 2015. Collection method: clinical testing. Allele origin: germline. Inheritance: Autosomal dominant inheritance. Observed: 1 variant allele, 1 heterozygote.
Comment: This variant is located in the CACNA1S protein. To our knowledge, functional studies have not been reported for this variant. This variant has not been reported in individuals affected with CACNA1S-related disorders in the literature. This variant has not been identified in the general population by the Genome Aggregation Database (gnomAD). The available evidence is insufficient to determine the role of this variant in disease conclusively. Therefore, this variant is classified as a Variant of Uncertain Significance.

This study involves interpretation of variants in research participants for the purpose of population health screening. Participant phenotype was not available at the time of variant classification. Additional details can be found in publication PMID: 35346344, PMCID: PMC8962531